The following is an entry in ClinVar:

NM_001201543.2(FAM161A):c.299_300del (p.Glu100fs)

Gene: FAM161A (FAM161 centrosomal protein A; minus strand). Cytogenetic location: 2p15.
Variant type: Deletion.
Coding change: c.299_300del on transcript NM_001201543.2 (MANE Select); coding-DNA positions 299 to 300, 2 bases deleted (AA; older notation c.299_300delAA).
Protein change: p.Glu100fs; shifts the reading frame from glutamic acid 100.
Molecular consequence: frameshift variant. On other transcripts: non-coding transcript variant (1).
Genome position (GRCh38, 1-based): chr2:61,842,244-61,842,245, TT deleted on the plus strand (AA on the coding strand, the reverse complement: FAM161A is on the minus strand). VCF-style (leftmost placement, unchanged base first): chr2-61842243-CTT-C. GRCh37 (hg19) VCF-style: chr2-62069378-CTT-C.
Other names: c.299_300del (NM_001201543.1); c.299_300delAA (NM_001201543.1); c.299_300del, p.Glu100fs (NM_032180.3); short protein forms E100fs.
Identifiers: ClinVar variation 1453028 (VCV001453028.9), dbSNP rs776996002, ClinGen allele CA1679389.

ClinVar aggregate classification (germline): Pathogenic/Likely pathogenic. Review status: criteria provided, multiple submitters, no conflicts (2 of 4 stars). 4 submissions from 4 submitters: Pathogenic (1); Likely pathogenic (3). Last evaluated 2025-05-08.

Conditions:
Retinitis pigmentosa 28 (RP28). Identifiers: Orphanet 791, MedGen C1419614, MONDO:0011630, OMIM 606068.

Allele frequency attached by ClinVar (database versions not stated): gnomAD exomes below 0.00001; ExAC 0.00001; ESP Exome Variant Server 0.00009.

Submissions (4):

Natera, Inc.
Classification: Likely pathogenic for Retinitis pigmentosa type 28. Last evaluated: 2025-05-08. Review status: criteria provided, single submitter. Criteria: Natera Variant Classification Schema (03/2026). Collection method: clinical testing. Allele origin: germline.
Comment: The c.299_300delAA variant in FAM161A is a frameshift variant predicted to shift the reading frame beginning at codon 100 and leads to a stop codon 20 codons downstream. This variant is expected to result in nonsense mediated decay, truncation, or a dysfunctional protein product. This variant is rare in the general population with a frequency below the threshold expected for the associated phenotype(s). Given the available evidence, this variant is classified as Likely Pathogenic.

Fulgent Genetics
Classification: Likely pathogenic for Retinitis pigmentosa 28. Last evaluated: 2024-04-16. Review status: criteria provided, single submitter. Criteria: ACMG Guidelines, 2015. Collection method: clinical testing. Allele origin: germline.

Baylor Genetics
Classification: Likely pathogenic for Retinitis pigmentosa 28. Last evaluated: 2023-06-17. Review status: criteria provided, single submitter. Criteria: ACMG Guidelines, 2015. Collection method: clinical testing. Allele origin: unknown.

Labcorp Genetics (formerly Invitae), Labcorp
Classification: Pathogenic. Last evaluated: 2021-10-16. Review status: criteria provided, single submitter. Criteria: Invitae Variant Classification Sherloc (09022015). Collection method: clinical testing. Allele origin: germline.
Comment: For these reasons, this variant has been classified as Pathogenic. This variant has not been reported in the literature in individuals affected with FAM161A-related conditions. The frequency data for this variant in the population databases is considered unreliable, as metrics indicate poor data quality at this position in the ExAC database. This sequence change creates a premature translational stop signal (p.Glu100Glyfs*20) in the FAM161A gene. It is expected to result in an absent or disrupted protein product. Loss-of-function variants in FAM161A are known to be pathogenic (PMID: 20705278, 20705279, 24651477).

Literature cited by the submitters: PubMed 20705278 (cited by Labcorp Genetics (formerly Invitae), Labcorp); PubMed 20705279 (cited by Labcorp Genetics (formerly Invitae), Labcorp); PubMed 24651477 (cited by Labcorp Genetics (formerly Invitae), Labcorp).